The following is an entry in ClinVar:

ClinVar aggregate classification (germline): Uncertain significance. Review status: criteria provided, multiple submitters, no conflicts (2 of 4 stars). 2 submissions from 2 submitters: Uncertain significance (2). Last evaluated 2025-10-22.

Conditions:
Benign neonatal seizures. Also called: Convulsions benign familial neonatal dominant form; Autosomal dominant form of benign neonatal seizures; Benign familial neonatal seizures; Benign neonatal familial convulsions; Benign familial neonatal epilepsy. Identifiers: Orphanet 1949, MedGen C0220669, MONDO:0016027.
Inborn genetic diseases. Identifiers: MedGen C0950123, MeSH D030342.

Allele frequency attached by ClinVar (database versions not stated): TOPMed below 0.00001; ExAC 0.00001; gnomAD 0.00001; gnomAD exomes 0.00001; ESP Exome Variant Server 0.00008.
gnomAD v4.1: 4 of 1,613,940 alleles (0.00025%); highest among the groups gnomAD compares: Non-Finnish European, 0.00034%; no homozygotes.

Submissions (2):

Ambry Genetics
Classification: Uncertain significance for Inborn genetic diseases. Last evaluated: 2025-10-22. Review status: criteria provided, single submitter. Criteria: Ambry Variant Classification Scheme 2023. Collection method: clinical testing. Allele origin: germline.

Labcorp Genetics (formerly Invitae), Labcorp
Classification: Uncertain significance for Benign neonatal seizures. Last evaluated: 2025-07-08. Review status: criteria provided, single submitter. Criteria: Invitae Variant Classification Sherloc (09022015). Collection method: clinical testing. Allele origin: germline.
Comment: This sequence change replaces leucine, which is neutral and non-polar, with phenylalanine, which is neutral and non-polar, at codon 555 of the KCNQ3 protein (p.Leu555Phe). This variant is not present in population databases (gnomAD no frequency). This variant has not been reported in the literature in individuals affected with KCNQ3-related conditions. ClinVar contains an entry for this variant (Variation ID: 1515160). Invitae Evidence Modeling of protein sequence and biophysical properties (such as structural, functional, and spatial information, amino acid conservation, physicochemical variation, residue mobility, and thermodynamic stability) has been performed for this missense variant. However, the output from this modeling did not meet the statistical confidence thresholds required to predict the impact of this variant on KCNQ3 protein function. In summary, the available evidence is currently insufficient to determine the role of this variant in disease. Therefore, it has been classified as a Variant of Uncertain Significance.

NM_004519.4(KCNQ3):c.1663C>T (p.Leu555Phe)

Gene: KCNQ3 (potassium voltage-gated channel subfamily Q member 3; minus strand). Cytogenetic location: 8q24.22.
Variant type: single nucleotide variant.
Coding change: c.1663C>T on transcript NM_004519.4 (MANE Select); coding-DNA position 1663, C replaced by T.
Protein change: p.Leu555Phe; replaces leucine 555 with phenylalanine.
Molecular consequence: missense variant.
Genome position (GRCh38, 1-based): chr8:132,137,922, G>A on the plus strand (C>T on the coding strand, the complement: KCNQ3 is on the minus strand). VCF-style: chr8-132137922-G-A. GRCh37 (hg19) VCF-style: chr8-133150169-G-A.
Other names: c.1663C>T (NM_004519.3); c.1303C>T, p.Leu435Phe (NM_001204824.2); short protein forms L555F, L435F.
Identifiers: ClinVar variation 1515160 (VCV001515160.9), dbSNP rs141361892, ClinGen allele CA4880637.